The following is an entry in ClinVar:

NM_006790.3(MYOT):c.593T>C (p.Val198Ala)

Genes: MYOT (myotilin; plus strand), PKD2L2-DT (PKD2L2 divergent transcript; minus strand). Cytogenetic location: 5q31.2.
Variant type: single nucleotide variant.
Coding change: c.593T>C on transcript NM_006790.3 (MANE Select); coding-DNA position 593, T replaced by C.
Protein change: p.Val198Ala; replaces valine 198 with alanine.
Molecular consequence: missense variant.
Genome position (GRCh38, 1-based): chr5:137,877,581, T>C. VCF-style: chr5-137877581-T-C. GRCh37 (hg19) VCF-style: chr5-137213270-T-C.
Other names: c.41T>C, p.Val14Ala (NM_001135940.2); c.248T>C, p.Val83Ala (NM_001300911.2); short protein forms V83A, V14A, V198A.
Identifiers: ClinVar variation 1379723 (VCV001379723.6), dbSNP rs776439973, ClinGen allele CA3422962.

ClinVar aggregate classification (germline): Uncertain significance (1 of 4 stars; one submission).

Conditions:
Myofibrillar myopathy 3 (MFM3). Also called: Muscular dystrophy, proximal, type 1A; Autosomal dominant spheroid body myopathy. Identifiers: Orphanet 266, Orphanet 268129, MedGen C3714934, MONDO:0012215, OMIM 609200.

Allele frequency attached by ClinVar (database versions not stated): TOPMed below 0.00001; gnomAD exomes 0.00002 and 0.00004; ExAC 0.00004.
gnomAD v4.1: 24 of 1,614,026 alleles (0.0015%); highest among the groups gnomAD compares: South Asian, 0.026%; no homozygotes.

Submission:

Labcorp Genetics (formerly Invitae), Labcorp
Classification: Uncertain significance for Myofibrillar myopathy 3. Last evaluated: 2025-09-06. Review status: criteria provided, single submitter. Criteria: Invitae Variant Classification Sherloc (09022015). Collection method: clinical testing. Allele origin: germline.
Comment: This sequence change replaces valine, which is neutral and non-polar, with alanine, which is neutral and non-polar, at codon 198 of the MYOT protein (p.Val198Ala). This variant is present in population databases (rs776439973, gnomAD 0.03%). This variant has not been reported in the literature in individuals affected with MYOT-related conditions. ClinVar contains an entry for this variant (Variation ID: 1379723). Invitae Evidence Modeling of protein sequence and biophysical properties (such as structural, functional, and spatial information, amino acid conservation, physicochemical variation, residue mobility, and thermodynamic stability) indicates that this missense variant is not expected to disrupt MYOT protein function with a negative predictive value of 80%. In summary, the available evidence is currently insufficient to determine the role of this variant in disease. Therefore, it has been classified as a Variant of Uncertain Significance.